The following is an entry in ClinVar:

NM_001561.6(TNFRSF9):c.346+4C>G

Gene: TNFRSF9 (TNF receptor superfamily member 9; minus strand). Cytogenetic location: 1p36.23.
Variant type: single nucleotide variant.
Coding change: c.346+4C>G on transcript NM_001561.6 (MANE Select); 4 bases into the intron after coding-DNA position 346, C replaced by G.
Molecular consequence: intron variant.
Genome position (GRCh38, 1-based): chr1:7,938,189, G>C on the plus strand (C>G on the coding strand, the complement: TNFRSF9 is on the minus strand). VCF-style: chr1-7938189-G-C. GRCh37 (hg19) VCF-style: chr1-7998249-G-C.
Other names: p.?.
Identifiers: ClinVar variation 1167483 (VCV001167483.11), dbSNP rs9657966, ClinGen allele CA569275.

ClinVar aggregate classification (germline): Benign. Review status: criteria provided, multiple submitters, no conflicts (2 of 4 stars). 3 submissions from 3 submitters: Benign (3). Last evaluated 2026-02-02.

Allele frequency attached by ClinVar (database versions not stated): 1000 Genomes Project 0.00759; 1000 Genomes Project 30x 0.00765; ESP Exome Variant Server 0.01661.
gnomAD v4.1: 37,913 of 1,571,980 alleles (2.4%); highest among the groups gnomAD compares: Non-Finnish European, 2.8%; 561 homozygotes.

Submissions (3):

Labcorp Genetics (formerly Invitae), Labcorp
Classification: Benign. Last evaluated: 2026-02-02. Review status: criteria provided, single submitter. Criteria: Invitae Variant Classification Sherloc (09022015). Collection method: clinical testing. Allele origin: germline.

Mayo Clinic Laboratories, Mayo Clinic
Classification: Benign. Last evaluated: 2023-07-18. Review status: criteria provided, single submitter. Criteria: ACMG Guidelines, 2015. Collection method: clinical testing. Allele origin: germline. Observed: 7 variant alleles.
Comment: BS1, BS2, BP4, BP7

Breakthrough Genomics
Classification: Benign. Review status: criteria provided, single submitter. Criteria: ACMG Guidelines, 2015. Collection method: not provided. Allele origin: germline. Inheritance: Autosomal recessive inheritance. Affected: yes.